The following is an entry in ClinVar:

NM_006734.4(HIVEP2):c.4064A>G (p.Gln1355Arg)

Gene: HIVEP2 (HIVEP zinc finger 2; minus strand). Cytogenetic location: 6q24.2.
Variant type: single nucleotide variant.
Coding change: c.4064A>G on transcript NM_006734.4 (MANE Select); coding-DNA position 4064, A replaced by G.
Protein change: p.Gln1355Arg; replaces glutamine 1355 with arginine.
Molecular consequence: missense variant.
Genome position (GRCh38, 1-based): chr6:142,770,675, T>C on the plus strand (A>G on the coding strand, the complement: HIVEP2 is on the minus strand). VCF-style: chr6-142770675-T-C. GRCh37 (hg19) VCF-style: chr6-143091812-T-C.
Other names: short protein forms Q1355R.
Identifiers: ClinVar variation 1702540 (VCV001702540.2), dbSNP rs2114648096, ClinGen allele CA365901268.

ClinVar aggregate classification (germline): Uncertain significance (1 of 4 stars; one submission).

Allele frequency attached by ClinVar (database versions not stated): gnomAD exomes below 0.00001.
gnomAD v4.1: 1 of 1,614,140 alleles (0.000062%); highest among the groups gnomAD compares: Non-Finnish European, 0.000085%; no homozygotes.

Submission:

GeneDx
Classification: Uncertain significance. Last evaluated: 2022-02-18. Review status: criteria provided, single submitter. Criteria: GeneDx Variant Classification Process June 2021. Collection method: clinical testing. Allele origin: germline. Affected: yes.
Comment: Not observed at significant frequency in large population cohorts (gnomAD); In silico analysis supports that this missense variant has a deleterious effect on protein structure/function; Has not been previously published as pathogenic or benign to our knowledge